The following is an entry in ClinVar:

ClinVar aggregate classification (germline): Likely pathogenic (1 of 4 stars; one submission).

Conditions:
Deficiency of alpha-mannosidase (MANSA). Also called: LYSOSOMAL ALPHA-D-MANNOSIDASE DEFICIENCY; Alpha-Mannosidosis; Mannosidosis, alpha-, types I and II. Identifiers: Orphanet 61, MedGen C0024748, MONDO:0009561, OMIM 248500.

Submission:

Labcorp Genetics (formerly Invitae), Labcorp
Classification: Likely pathogenic for Deficiency of alpha-mannosidase. Last evaluated: 2023-06-28. Review status: criteria provided, single submitter. Criteria: Invitae Variant Classification Sherloc (09022015). Collection method: clinical testing. Allele origin: unknown.
Comment: In summary, the currently available evidence indicates that the variant is pathogenic, but additional data are needed to prove that conclusively. Therefore, this variant has been classified as Likely Pathogenic. This variant disrupts a region of the MAN2B1 protein in which other variant(s) (p.Gly891Arg) have been observed in individuals with MAN2B1-related conditions (PMID: 22161967). This suggests that this is a clinically significant region of the protein, and that variants that disrupt it are likely to be disease-causing. ClinVar contains an entry for this variant (Variation ID: 839971). This variant has not been reported in the literature in individuals affected with MAN2B1-related conditions. This variant results in the deletion of exon 21 and part of exon 22 (c.2437-300_2719del) of the MAN2B1 gene. It is expected to disrupt RNA splicing. Variants that disrupt the donor or acceptor splice site typically lead to a loss of protein function (PMID: 16199547), and loss-of-function variants in MAN2B1 are known to be pathogenic (PMID: 9915946, 22161967).

Literature cited by the submitters: PubMed 22161967; PubMed 16199547; PubMed 9915946.

NC_000019.9:g.(?_12758358)_(12759516_?)del

Gene: MAN2B1 (mannosidase alpha class 2B member 1; minus strand). Cytogenetic location: 19p13.2.
Variant type: Deletion.
Identifiers: ClinVar variation 3248402 (VCV003248402.1).